The following is an entry in ClinVar:

ClinVar aggregate classification (germline): Pathogenic (1 of 4 stars; one submission).

Submission:

Labcorp Genetics (formerly Invitae), Labcorp
Classification: Pathogenic. Last evaluated: 2022-09-14. Review status: criteria provided, single submitter. Criteria: Invitae Variant Classification Sherloc (09022015). Collection method: clinical testing. Allele origin: germline.
Comment: This variant is a gross deletion of the genomic region encompassing exon(s) 1 of the TSPEAR gene, which includes the initiator codon. This deletion extends beyond the assayed region for this gene and therefore may encompass additional genes. It is expected to result in an absent or disrupted protein product. Loss-of-function variants in TSPEAR are known to be pathogenic (PMID: 34042254). A similar copy number variant has been observed in individual(s) with clinical features of ectodermal dysplasia (Invitae). In at least one individual the data is consistent with being in trans (on the opposite chromosome) from a pathogenic variant. For these reasons, this variant has been classified as Pathogenic.

Literature cited by the submitters: PubMed 34042254.

NC_000021.8:g.(?_46131328)_(46131429_?)del

Gene: TSPEAR (thrombospondin type laminin G domain and EAR repeats; minus strand). Cytogenetic location: 21q22.3.
Variant type: Deletion.
Identifiers: ClinVar variation 1348015 (VCV001348015.4).